The following is an entry in ClinVar:

ClinVar aggregate classification (germline): Likely pathogenic (1 of 4 stars; one submission).

Conditions:
PKD1L1-related disorder. Also called: PKD1L1-related condition.

gnomAD v4.1: 16 of 1,613,878 alleles (0.00099%); highest among the groups gnomAD compares: South Asian, 0.018%; no homozygotes.

Submission:

PreventionGenetics, part of Exact Sciences
Classification: Likely pathogenic for PKD1L1-related condition. Last evaluated: 2025-04-10. Review status: criteria provided, single submitter. Criteria: ACMG Guidelines, 2015. Collection method: clinical testing. Allele origin: germline.
Comment: The PKD1L1 c.5081G>A variant is predicted to result in premature protein termination (p.Trp1694*). To our knowledge, this variant has not been reported in the literature. This variant is reported in 0.013% of alleles in individuals of South Asian descent in gnomAD. Nonsense variants in PKD1L1 are expected to be pathogenic. This variant is interpreted as likely pathogenic.

NM_138295.5(PKD1L1):c.5081G>A (p.Trp1694Ter)

Gene: PKD1L1 (polycystin 1 like 1, transient receptor potential channel interacting; minus strand). Cytogenetic location: 7p12.3.
Variant type: single nucleotide variant.
Coding change: c.5081G>A on transcript NM_138295.5 (MANE Select); coding-DNA position 5081, G replaced by A.
Protein change: p.Trp1694Ter; replaces tryptophan 1694 with a stop codon.
Molecular consequence: nonsense.
Genome position (GRCh38, 1-based): chr7:47,846,951, C>T on the plus strand (G>A on the coding strand, the complement: PKD1L1 is on the minus strand). VCF-style: chr7-47846951-C-T. GRCh37 (hg19) VCF-style: chr7-47886549-C-T.
Other names: short protein forms W1694*.
Identifiers: ClinVar variation 4979344 (VCV004979344.1).
Genomic context (GRCh38, chr7:47,846,951, plus strand): 5'-TTTTCAGGAGAAGTCCCTGGTTGTGGAGAGAAACGTTCAGATTTCCACTCTCTCTTGTCC[C>T]AAAACAGGCATCGGATCCACTGGAAATGTACTGTATAGTTCACTGCCTTAGCTAAATATC-3'